The following is an entry in ClinVar:

ClinVar aggregate classification (germline): Uncertain significance (1 of 4 stars; one submission).

Conditions:
Tuberous sclerosis 2 (TSC2). Identifiers: Orphanet 805, MedGen C1860707, MONDO:0013199, OMIM 613254.

Allele frequency attached by ClinVar (database versions not stated): gnomAD exomes below 0.00001.
gnomAD v4.1: 1 of 1,614,026 alleles (0.000062%); highest among the groups gnomAD compares: Non-Finnish European, 0.000085%; no homozygotes.

Submission:

Labcorp Genetics (formerly Invitae), Labcorp
Classification: Uncertain significance for Tuberous sclerosis 2. Last evaluated: 2025-11-04. Review status: criteria provided, single submitter. Criteria: Invitae Variant Classification Sherloc (09022015). Collection method: clinical testing. Allele origin: germline.
Comment: This sequence change replaces leucine, which is neutral and non-polar, with valine, which is neutral and non-polar, at codon 21 of the TSC2 protein (p.Leu21Val). This variant is not present in population databases (gnomAD no frequency). This variant has not been reported in the literature in individuals affected with TSC2-related conditions. ClinVar contains an entry for this variant (Variation ID: 1721602). Invitae Evidence Modeling of protein sequence and biophysical properties (such as structural, functional, and spatial information, amino acid conservation, physicochemical variation, residue mobility, and thermodynamic stability) indicates that this missense variant is not expected to disrupt TSC2 protein function with a negative predictive value of 95%. In summary, the available evidence is currently insufficient to determine the role of this variant in disease. Therefore, it has been classified as a Variant of Uncertain Significance.

NM_000548.5(TSC2):c.61C>G (p.Leu21Val)

Gene: TSC2 (TSC complex subunit 2; plus strand). Cytogenetic location: 16p13.3.
Variant type: single nucleotide variant.
Coding change: c.61C>G on transcript NM_000548.5 (MANE Select); coding-DNA position 61, C replaced by G.
Protein change: p.Leu21Val; replaces leucine 21 with valine.
Molecular consequence: missense variant. On other transcripts: 5 prime UTR variant (1), intron variant (1).
Genome position (GRCh38, 1-based): chr16:2,048,676, C>G. VCF-style: chr16-2048676-C-G. GRCh37 (hg19) VCF-style: chr16-2098677-C-G.
Other names: c.61C>G, p.Leu21Val (NM_001406665.1, NM_001406667.1, NM_001406668.1 and 13 more transcripts); c.-756C>G (NM_001406680.1, NM_001406683.1, NM_001406687.1); c.-385C>G (NM_001406681.1); c.-166C>G (NM_001406682.1, NM_001406684.1, NM_001318831.2 and 2 more transcripts); c.94C>G, p.Leu32Val (NM_001318832.2); c.-1371C>G (NM_001406689.1, NM_001406690.1, NM_001406691.1 and 2 more transcripts); c.-1677C>G (NM_001406693.1); c.-1252C>G (NM_001406694.1, NM_001406695.1); and 3 more; short protein forms L21V, L32V.
Identifiers: ClinVar variation 1721602 (VCV001721602.5), dbSNP rs2084676177, ClinGen allele CA394301142.